The following is an entry in ClinVar:

NC_000018.9:g.(?_2718136)_(2743946_?)dup

Gene: SMCHD1 (structural maintenance of chromosomes flexible hinge domain containing 1; plus strand). Cytogenetic location: 18p11.32.
Variant type: Duplication.
Identifiers: ClinVar variation 2426134 (VCV002426134.4).

ClinVar aggregate classification (germline): Likely pathogenic (1 of 4 stars; one submission).

Conditions:
Facioscapulohumeral muscular dystrophy 2 (FSHD2). Also called: FACIOSCAPULOHUMERAL MUSCULAR DYSTROPHY 2, DIGENIC; FSHD2, DIGENIC; MUSCULAR DYSTROPHY, FACIOSCAPULOHUMERAL, TYPE 1B. Identifiers: Orphanet 269, MedGen C1834671, MONDO:0008031, OMIM 158901.

Submission:

Labcorp Genetics (formerly Invitae), Labcorp
Classification: Likely pathogenic for Facioscapulohumeral muscular dystrophy 2. Last evaluated: 2022-04-08. Review status: criteria provided, single submitter. Criteria: Invitae Variant Classification Sherloc (09022015). Collection method: clinical testing. Allele origin: germline.
Comment: This variant results in a copy number gain of the genomic region encompassing exon(s) 18-29 of the SMCHD1 gene. While the exact position of this variant cannot be determined from the data, sub-genic copy number gains are generally in tandem (PMID: 25640679). This variant is predicted to be out-of-frame, and may result in an absent or disrupted protein product. Loss-of-function variants in SMCHD1 are known to be pathogenic (PMID: 23143600). This variant has not been reported in the literature in individuals affected with SMCHD1-related conditions. In summary, the currently available evidence indicates that the variant is pathogenic, but additional data are needed to prove that conclusively. Therefore, this variant has been classified as Likely Pathogenic.

Literature cited by the submitters: PubMed 25640679; PubMed 23143600.